The following is an entry in ClinVar:

NM_000702.4(ATP1A2):c.2238C>G (p.Ile746Met)

Gene: ATP1A2 (ATPase Na+/K+ transporting subunit alpha 2; plus strand). Cytogenetic location: 1q23.2.
Variant type: single nucleotide variant.
Coding change: c.2238C>G on transcript NM_000702.4 (MANE Select); coding-DNA position 2238, C replaced by G.
Protein change: p.Ile746Met; replaces isoleucine 746 with methionine.
Molecular consequence: missense variant.
Genome position (GRCh38, 1-based): chr1:160,135,556, C>G. VCF-style: chr1-160135556-C-G. GRCh37 (hg19) VCF-style: chr1-160105346-C-G.
Other names: short protein forms I746M.
Identifiers: ClinVar variation 4083343 (VCV004083343.2).

ClinVar aggregate classification (germline): Uncertain significance (1 of 4 stars; one submission).

Submission:

GeneDx
Classification: Uncertain significance. Last evaluated: 2025-11-05. Review status: criteria provided, single submitter. Criteria: GeneDx Variant Classification Process June 2021. Collection method: clinical testing. Allele origin: germline.
Comment: Not observed at significant frequency in large population cohorts (gnomAD); In silico analysis suggests that this missense variant does not alter protein structure/function; Has not been previously published as pathogenic or benign to our knowledge; This variant is associated with the following publications: (PMID: 18184292)